The following is an entry in ClinVar:

ClinVar aggregate classification (germline): Uncertain significance (1 of 4 stars; one submission).

Conditions:
Charcot-Marie-Tooth disease dominant intermediate E. Also called: CHARCOT-MARIE-TOOTH NEUROPATHY WITH FOCAL SEGMENTAL GLOMERULONEPHRITIS. Identifiers: Orphanet 93114, MedGen C4302667, MONDO:0013758, OMIM 614455.
Focal segmental glomerulosclerosis 5 (FSGS5). Identifiers: Orphanet 656, MedGen C2750475, MONDO:0013191, OMIM 613237.

Submission:

Labcorp Genetics (formerly Invitae), Labcorp
Classification: Uncertain significance for Charcot-Marie-Tooth disease dominant intermediate E; Focal segmental glomerulosclerosis 5. Last evaluated: 2023-10-14. Review status: criteria provided, single submitter. Criteria: Invitae Variant Classification Sherloc (09022015). Collection method: clinical testing. Allele origin: germline.
Comment: This sequence change replaces proline, which is neutral and non-polar, with arginine, which is basic and polar, at codon 460 of the INF2 protein (p.Pro460Arg). This variant is not present in population databases (gnomAD no frequency). This variant has not been reported in the literature in individuals affected with INF2-related conditions. Advanced modeling of protein sequence and biophysical properties (such as structural, functional, and spatial information, amino acid conservation, physicochemical variation, residue mobility, and thermodynamic stability) has been performed at Invitae for this missense variant, however the output from this modeling did not meet the statistical confidence thresholds required to predict the impact of this variant on INF2 protein function. In summary, the available evidence is currently insufficient to determine the role of this variant in disease. Therefore, it has been classified as a Variant of Uncertain Significance.

NM_022489.4(INF2):c.1379C>G (p.Pro460Arg)

Gene: INF2 (inverted formin 2; plus strand). Cytogenetic location: 14q32.33.
Variant type: single nucleotide variant.
Coding change: c.1379C>G on transcript NM_022489.4 (MANE Select); coding-DNA position 1379, C replaced by G.
Protein change: p.Pro460Arg; replaces proline 460 with arginine.
Molecular consequence: missense variant.
Genome position (GRCh38, 1-based): chr14:104,707,646, C>G. VCF-style: chr14-104707646-C-G. GRCh37 (hg19) VCF-style: chr14-105173983-C-G.
Other names: c.1379C>G, p.Pro460Arg (NM_001031714.4, NM_001426862.1, NM_001426863.1 and 2 more transcripts); short protein forms P460R.
Identifiers: ClinVar variation 2952885 (VCV002952885.3), dbSNP rs2541919942, ClinGen allele CA391216794.